The following is an entry in ClinVar:

NM_139318.5(KCNH5):c.2162A>C (p.Asn721Thr)

Gene: KCNH5 (potassium voltage-gated channel subfamily H member 5; minus strand). Cytogenetic location: 14q23.2.
Variant type: single nucleotide variant.
Coding change: c.2162A>C on transcript NM_139318.5 (MANE Select); coding-DNA position 2162, A replaced by C.
Protein change: p.Asn721Thr; replaces asparagine 721 with threonine.
Molecular consequence: missense variant. On other transcripts: 3 prime UTR variant (1).
Genome position (GRCh38, 1-based): chr14:62,708,313, T>G on the plus strand (A>C on the coding strand, the complement: KCNH5 is on the minus strand). VCF-style: chr14-62708313-T-G. GRCh37 (hg19) VCF-style: chr14-63175031-T-G.
Other names: c.*129A>C (NM_172375.3); short protein forms N721T.
Identifiers: ClinVar variation 4700497 (VCV004700497.1).

ClinVar aggregate classification (germline): Uncertain significance (1 of 4 stars; one submission).

Conditions:
Early-infantile DEE. Also called: Early infantile epileptic encephalopathy with suppression bursts; Early infantile epileptic encephalopathy; Ohtahara syndrome. Identifiers: Orphanet 1934, MedGen C0393706, MONDO:0800491.

Submission:

Labcorp Genetics (formerly Invitae), Labcorp
Classification: Uncertain significance for Early-infantile DEE. Last evaluated: 2025-04-23. Review status: criteria provided, single submitter. Criteria: Invitae Variant Classification Sherloc (09022015). Collection method: clinical testing. Allele origin: germline.
Comment: This sequence change replaces asparagine, which is neutral and polar, with threonine, which is neutral and polar, at codon 721 of the KCNH5 protein (p.Asn721Thr). This variant is not present in population databases (gnomAD no frequency). This variant has not been reported in the literature in individuals affected with KCNH5-related conditions. Invitae Evidence Modeling of protein sequence and biophysical properties (such as structural, functional, and spatial information, amino acid conservation, physicochemical variation, residue mobility, and thermodynamic stability) indicates that this missense variant is not expected to disrupt KCNH5 protein function with a negative predictive value of 95%. In summary, the available evidence is currently insufficient to determine the role of this variant in disease. Therefore, it has been classified as a Variant of Uncertain Significance.